The following is an entry in ClinVar:

ClinVar aggregate classification (germline): Uncertain significance. Review status: criteria provided, multiple submitters, no conflicts (2 of 4 stars). 2 submissions from 2 submitters: Uncertain significance (2). Last evaluated 2022-03-18.

Conditions:
Cardiovascular phenotype. Identifiers: MedGen CN230736.
Dilated cardiomyopathy 1JJ (CMD1JJ). Identifiers: Orphanet 154, MedGen C3808935, MONDO:0014095, OMIM 615235.

Allele frequency attached by ClinVar (database versions not stated): TOPMed 0.00001.

Submissions (2):

Labcorp Genetics (formerly Invitae), Labcorp
Classification: Uncertain significance for Dilated cardiomyopathy 1JJ. Last evaluated: 2022-03-18. Review status: criteria provided, single submitter. Criteria: Invitae Variant Classification Sherloc (09022015). Collection method: clinical testing. Allele origin: germline.
Comment: This variant is not present in population databases (gnomAD no frequency). This variant has not been reported in the literature in individuals affected with LAMA4-related conditions. Experimental studies and prediction algorithms are not available or were not evaluated, and the functional significance of this variant is currently unknown. Algorithms developed to predict the effect of sequence changes on RNA splicing suggest that this variant may create or strengthen a splice site. In summary, the available evidence is currently insufficient to determine the role of this variant in disease. Therefore, it has been classified as a Variant of Uncertain Significance. This variant, c.877_879del, results in the deletion of 1 amino acid(s) of the LAMA4 protein (p.Ser293del), but otherwise preserves the integrity of the reading frame.

Ambry Genetics
Classification: Uncertain significance for Cardiovascular phenotype. Last evaluated: 2021-04-29. Review status: criteria provided, single submitter. Criteria: Ambry Variant Classification Scheme 2023. Collection method: clinical testing. Allele origin: germline.
Comment: The c.877_879delAGC variant (also known as p.S293del) is located in coding exon 7 of the LAMA4 gene. This variant results from an in-frame AGC deletion at nucleotide positions 877 to 879. This results in the in-frame deletion of a serine at codon 293. This amino acid position is well conserved in available vertebrate species. In addition, this alteration is predicted to be deleterious by in silico analysis (Choi Y et al. PLoS ONE. 2012; 7(10):e46688). Since supporting evidence is limited at this time, the clinical significance of this alteration remains unclear.

NM_001105206.3(LAMA4):c.898_900del (p.Ser300del)

Gene: LAMA4 (laminin subunit alpha 4; minus strand). Cytogenetic location: 6q21.
Variant type: Deletion.
Coding change: c.898_900del on transcript NM_001105206.3 (MANE Select); coding-DNA positions 898 to 900, 3 bases deleted (AGC; older notation c.898_900delAGC).
Protein change: p.Ser300del; deletes serine 300.
Molecular consequence: inframe deletion.
Genome position (GRCh38, 1-based): chr6:112,187,516-112,187,518, GCT deleted on the plus strand (AGC on the coding strand, the reverse complement: LAMA4 is on the minus strand). VCF-style (leftmost placement, unchanged base first): chr6-112187515-CGCT-C. GRCh37 (hg19) VCF-style: chr6-112508717-CGCT-C.
Other names: c.877_879del, p.Ser293del (NM_001105207.3, NM_002290.5); short protein forms S293del, S300del.
Identifiers: ClinVar variation 1375730 (VCV001375730.10), dbSNP rs1782760091, ClinGen allele CA1655251527.